The following is an entry in ClinVar:

ClinVar aggregate classification (germline): Uncertain significance (1 of 4 stars; one submission).

gnomAD v4.1: 2 of 1,613,634 alleles (0.00012%); highest among the groups gnomAD compares: Non-Finnish European, 0.00017%; no homozygotes.

Submission:

GeneDx
Classification: Uncertain significance. Last evaluated: 2026-02-16. Review status: criteria provided, single submitter. Criteria: GeneDx Variant Classification Process June 2021. Collection method: clinical testing. Allele origin: germline.
Comment: Not observed at significant frequency in large population cohorts (gnomAD); In silico analysis suggests that this missense variant does not alter protein structure/function; Has not been previously published as pathogenic or benign to our knowledge

NM_130839.5(UBE3A):c.2192G>A (p.Arg731Gln)

Genes: SNHG14 (small nucleolar RNA host gene 14; plus strand), UBE3A (ubiquitin protein ligase E3A; minus strand). Cytogenetic location: 15q11.2.
Variant type: single nucleotide variant.
Coding change: c.2192G>A on transcript NM_130839.5 (MANE Select); coding-DNA position 2192, G replaced by A.
Protein change: p.Arg731Gln; replaces arginine 731 with glutamine.
Molecular consequence: missense variant. On other transcripts: non-coding transcript variant (1), intron variant (3).
Genome position (GRCh38, 1-based): chr15:25,354,616, C>T on the plus strand (G>A on the coding strand, the complement: UBE3A is on the minus strand). VCF-style: chr15-25354616-C-T. GRCh37 (hg19) VCF-style: chr15-25599763-C-T.
Other names: c.2201G>A, p.Arg734Gln (NM_000462.5); c.2192G>A, p.Arg731Gln (NM_001354505.1, NM_001354538.2); c.2132G>A, p.Arg711Gln (NM_001354506.2, NM_001354507.2, NM_001354508.2 and 14 more transcripts); c.2015G>A, p.Arg672Gln (NM_001354546.2); c.1967G>A, p.Arg656Gln (NM_001354549.2); c.941G>A, p.Arg314Gln (NM_001354550.2); c.881G>A, p.Arg294Gln (NM_001354551.2); c.2065-190G>A (NM_001354548.2, NM_001354547.2); and 1 more; short protein forms R672Q, R294Q, R314Q, R656Q, R711Q, R734Q, R731Q.
Identifiers: ClinVar variation 5009629 (VCV005009629.1).